The following is an entry in ClinVar:

ClinVar aggregate classification (germline): Uncertain significance (1 of 4 stars; one submission).

Conditions:
Hereditary sensory and autonomic neuropathy type 6. Also called: Neuropathy, hereditary sensory and autonomic, type VI; HSAN VI. Identifiers: Orphanet 314381, MedGen C3539003, MONDO:0013839, OMIM 614653.
Epidermolysis bullosa simplex 3, localized or generalized intermediate, with BP230 deficiency (EBS3). Also called: Epidermolysis bullosa simplex due to BP230 deficiency; Epidermolysis bullosa simplex, autosomal recessive 2. Identifiers: Orphanet 412181, MedGen C3809470, MONDO:0014180, OMIM 615425.

Allele frequency attached by ClinVar (database versions not stated): gnomAD exomes below 0.00001.
gnomAD v4.1: 5 of 1,603,534 alleles (0.00031%); highest among the groups gnomAD compares: Middle Eastern, 0.017%; no homozygotes.

Submission:

Labcorp Genetics (formerly Invitae), Labcorp
Classification: Uncertain significance for Epidermolysis bullosa simplex 3, localized or generalized intermediate, with BP230 deficiency; Hereditary sensory and autonomic neuropathy type 6. Last evaluated: 2022-05-01. Review status: criteria provided, single submitter. Criteria: Invitae Variant Classification Sherloc (09022015). Collection method: clinical testing. Allele origin: germline.
Comment: The DST gene has multiple clinically relevant transcripts. This variant occurs in alternate transcript NM_015548.4, and corresponds to NM_001723.5:c.*62129C>T in the primary transcript. Experimental studies and prediction algorithms are not available or were not evaluated, and the functional significance of this variant is currently unknown. This sequence change replaces alanine, which is neutral and non-polar, with valine, which is neutral and non-polar, at codon 2512 of the DST protein (p.Ala2512Val). This variant is not present in population databases (gnomAD no frequency). This variant has not been reported in the literature in individuals affected with DST-related conditions. In summary, the available evidence is currently insufficient to determine the role of this variant in disease. Therefore, it has been classified as a Variant of Uncertain Significance.

NM_001374736.1(DST):c.15404C>T (p.Ala5135Val)

Gene: DST (dystonin; minus strand). Cytogenetic location: 6p12.1.
Variant type: single nucleotide variant.
Coding change: c.15404C>T on transcript NM_001374736.1 (MANE Select); coding-DNA position 15404, C replaced by T.
Protein change: p.Ala5135Val; replaces alanine 5135 with valine.
Molecular consequence: missense variant.
Genome position (GRCh38, 1-based): chr6:56,553,388, G>A on the plus strand (C>T on the coding strand, the complement: DST is on the minus strand). VCF-style: chr6-56553388-G-A. GRCh37 (hg19) VCF-style: chr6-56418186-G-A.
Other names: c.9047C>T, p.Ala3016Val (NM_001144769.5); c.8633C>T, p.Ala2878Val (NM_001144770.2); c.15404C>T, p.Ala5135Val (NM_001374722.1); c.14771C>T, p.Ala4924Val (NM_001374729.1); c.8513C>T, p.Ala2838Val (NM_001374730.1, NM_001386100.1, NM_183380.4); c.15431C>T, p.Ala5144Val (NM_001374734.1); c.7535C>T, p.Ala2512Val (NM_015548.5); short protein forms A3016V, A4924V, A2838V, A5135V, A5144V, A2512V, A2878V.
Identifiers: ClinVar variation 1943218 (VCV001943218.5), dbSNP rs2535339994, ClinGen allele CA364517083.